The following is an entry in ClinVar:

ClinVar aggregate classification (germline): Uncertain significance. Review status: criteria provided, multiple submitters, no conflicts (2 of 4 stars). 2 submissions from 2 submitters: Uncertain significance (2). Last evaluated 2023-11-09.

Conditions:
Oligodontia-cancer predisposition syndrome. Also called: TOOTH AGENESIS-COLORECTAL CANCER SYNDROME. Identifiers: Orphanet 300576, MedGen C1837750, MONDO:0012075, OMIM 608615. Disease mechanism: loss of function.
Hereditary cancer-predisposing syndrome. Also called: Tumor predisposition; Hereditary Cancer Syndrome; Neoplastic Syndromes, Hereditary; Hereditary neoplastic syndrome. Identifiers: Orphanet 140162, MedGen C0027672, MeSH D009386, MONDO:0015356.

Submissions (2):

Ambry Genetics
Classification: Uncertain significance for Hereditary cancer-predisposing syndrome. Last evaluated: 2023-11-09. Review status: criteria provided, single submitter. Criteria: Ambry Variant Classification Scheme 2023. Collection method: clinical testing. Allele origin: germline.
Comment: The p.I195L variant (also known as c.583A>T), located in coding exon 1 of the AXIN2 gene, results from an A to T substitution at nucleotide position 583. The isoleucine at codon 195 is replaced by leucine, an amino acid with highly similar properties. This amino acid position is conserved. In addition, this alteration is predicted to be tolerated by in silico analysis. Since supporting evidence is limited at this time, the clinical significance of this alteration remains unclear.

Labcorp Genetics (formerly Invitae), Labcorp
Classification: Uncertain significance for Oligodontia-cancer predisposition syndrome. Last evaluated: 2023-03-16. Review status: criteria provided, single submitter. Criteria: Invitae Variant Classification Sherloc (09022015). Collection method: clinical testing. Allele origin: germline.
Comment: In summary, the available evidence is currently insufficient to determine the role of this variant in disease. Therefore, it has been classified as a Variant of Uncertain Significance. Advanced modeling of protein sequence and biophysical properties (such as structural, functional, and spatial information, amino acid conservation, physicochemical variation, residue mobility, and thermodynamic stability) performed at Invitae indicates that this missense variant is not expected to disrupt AXIN2 protein function. This variant has not been reported in the literature in individuals affected with AXIN2-related conditions. This variant is not present in population databases (gnomAD no frequency). This sequence change replaces isoleucine, which is neutral and non-polar, with leucine, which is neutral and non-polar, at codon 195 of the AXIN2 protein (p.Ile195Leu).

NM_004655.4(AXIN2):c.583A>T (p.Ile195Leu)

Gene: AXIN2 (axin 2; minus strand). Cytogenetic location: 17q24.1.
Variant type: single nucleotide variant.
Coding change: c.583A>T on transcript NM_004655.4 (MANE Select); coding-DNA position 583, A replaced by T.
Protein change: p.Ile195Leu; replaces isoleucine 195 with leucine.
Molecular consequence: missense variant.
Genome position (GRCh38, 1-based): chr17:65,558,038, T>A on the plus strand (A>T on the coding strand, the complement: AXIN2 is on the minus strand). VCF-style: chr17-65558038-T-A. GRCh37 (hg19) VCF-style: chr17-63554156-T-A.
Other names: c.583A>T, p.Ile195Leu (NM_001363813.1); short protein forms I195L.
Identifiers: ClinVar variation 2733593 (VCV002733593.4), dbSNP rs2044297799, ClinGen allele CA400680795.
Genomic context (GRCh38, chr17:65,558,038, plus strand): 5'-GTCCCCCATTACTCATGTAAGCTGTGTTTTCTCCCCCACTCCTCACATATTCGAGGTATA[T>A]ATCAGAAGTCAAAAACATCTGGTAGGCATTTTCCTCCATCACCGACTGGATCTCGGTCTG-3'
Protein context (NP_004646.3, residues 185-205): NAYQMFLTSD[Ile195Leu]YLEYVRSGGE